The following is an entry in ClinVar:

NM_001374828.1(ARID1B):c.1791G>A (p.Gln597=)

Gene: ARID1B (AT-rich interaction domain 1B; plus strand). Cytogenetic location: 6q25.3.
Variant type: single nucleotide variant.
Coding change: c.1791G>A on transcript NM_001374828.1 (MANE Select); coding-DNA position 1791, G replaced by A.
Protein change: p.Gln597=; no amino-acid change (glutamine 597 retained).
Molecular consequence: synonymous variant.
Genome position (GRCh38, 1-based): chr6:156,779,471, G>A. VCF-style: chr6-156779471-G-A. GRCh37 (hg19) VCF-style: chr6-157100605-G-A.
Other names: c.1791G>A, p.Gln597= (NM_001371656.1, NM_001374820.1, NM_001438482.1 and 9 more transcripts).
Identifiers: ClinVar variation 4879856 (VCV004879856.2).
Genomic context (GRCh38, chr6:156,779,471, plus strand): 5'-ACAAAGGAGTCACCCGGCGATGAGCCCCGGCACCCCCGGACCGACCATGGGCAGATCCCA[G>A]GTAACCCTCGCGCCAGCCGGGCCTGCTTCCGCCCGGCGGCCTCGCCGCGCCGCGAGCCTG-3'
Protein context (NP_001361757.1, residues 587-607): GTPGPTMGRS[Gln597=]GSPMDPMVMK

ClinVar aggregate classification (germline): Likely pathogenic (1 of 4 stars; one submission).

Conditions:
Coffin-Siris syndrome 1 (CSS1). Also called: ARID1B-Related Coffin-Siris Syndrome; Mental retardation, autosomal dominant 12. Identifiers: Orphanet 1465, MedGen C3281201, MONDO:0007617, OMIM 135900. Disease mechanism: gain of function.

Submission:

MVZ Medizinische Genetik Mainz
Classification: Likely pathogenic for Coffin-Siris syndrome 1. Last evaluated: 2026-09-17. Review status: criteria provided, single submitter. Criteria: UK Practice Guidelines For Variant Classification V4 01 2020. Collection method: clinical testing. Allele origin: germline. Inheritance: Autosomal dominant inheritance. Affected: yes. Observed: 1 variant allele.
Comment: ACMG Criteria: PS1_MOD,PM6,PM2_SUP,PP3